The following is an entry in ClinVar:

ClinVar aggregate classification (germline): Uncertain significance. Review status: criteria provided, single submitter (1 of 4 stars). 2 submissions from 2 submitters: Uncertain significance (1). 1 of the submissions does not count toward it. Last evaluated 2024-10-08.

Conditions:
Inborn genetic diseases. Identifiers: MedGen C0950123, MeSH D030342.
ARFGEF1-related disorder. Also called: ARFGEF1-related condition.

Allele frequency attached by ClinVar (database versions not stated): TOPMed below 0.00001; gnomAD exomes 0.00001; gnomAD 0.00002.
gnomAD v4.1: 18 of 1,595,766 alleles (0.0011%); highest among the groups gnomAD compares: Middle Eastern, 0.033%; no homozygotes.

Submissions (2):

Ambry Genetics
Classification: Uncertain significance for Inborn genetic diseases. Last evaluated: 2024-10-08. Review status: criteria provided, single submitter. Criteria: Ambry Variant Classification Scheme 2023. Collection method: clinical testing. Allele origin: germline.

PreventionGenetics, part of Exact Sciences
Classification: Uncertain significance for ARFGEF1-related condition. Last evaluated: 2024-09-06. Review status: no assertion criteria provided. Collection method: clinical testing. Allele origin: germline. Not counted in ClinVar's aggregate classification.
Comment: The ARFGEF1 c.5350T>C variant is predicted to result in the amino acid substitution p.Phe1784Leu. To our knowledge, this variant has not been reported in the literature. This variant is reported in 0.0018% of alleles in individuals of European (Non-Finnish) descent in gnomAD. At this time, the clinical significance of this variant is uncertain due to the absence of conclusive functional and genetic evidence.

NM_006421.5(ARFGEF1):c.5350T>C (p.Phe1784Leu)

Gene: ARFGEF1 (ARF guanine nucleotide exchange factor 1; minus strand). Cytogenetic location: 8q13.2.
Variant type: single nucleotide variant.
Coding change: c.5350T>C on transcript NM_006421.5 (MANE Select); coding-DNA position 5350, T replaced by C.
Protein change: p.Phe1784Leu; replaces phenylalanine 1784 with leucine.
Molecular consequence: missense variant. On other transcripts: non-coding transcript variant (1).
Genome position (GRCh38, 1-based): chr8:67,200,431, A>G on the plus strand (T>C on the coding strand, the complement: ARFGEF1 is on the minus strand). VCF-style: chr8-67200431-A-G. GRCh37 (hg19) VCF-style: chr8-68112666-A-G.
Other names: c.5350T>C, p.Phe1784Leu (NM_001413184.1, NM_001413187.1, NM_001413194.1); c.5332T>C, p.Phe1778Leu (NM_001413185.1, NM_001413186.1, NM_001413189.1); c.4750T>C, p.Phe1584Leu (NM_001413188.1, NM_001413197.1); c.5344T>C, p.Phe1782Leu (NM_001413190.1); c.5254T>C, p.Phe1752Leu (NM_001413191.1); c.5236T>C, p.Phe1746Leu (NM_001413192.1); c.4732T>C, p.Phe1578Leu (NM_001413193.1); c.3925T>C, p.Phe1309Leu (NM_001413196.1); short protein forms F1309L, F1578L, F1584L, F1746L, F1752L, F1778L, F1782L, F1784L.
Identifiers: ClinVar variation 3030703 (VCV003030703.3), dbSNP rs1159159227, ClinGen allele CA371207881.